The following is an entry in ClinVar:

ClinVar aggregate classification (germline): Uncertain significance (1 of 4 stars; one submission).

Allele frequency attached by ClinVar (database versions not stated): gnomAD exomes below 0.00001; ExAC 0.00001; TOPMed 0.00001; gnomAD 0.00003; 1000 Genomes Project 30x 0.00016; 1000 Genomes Project 0.00020.
gnomAD v4.1: 10 of 1,608,236 alleles (0.00062%); highest among the groups gnomAD compares: African/African-American, 0.011%; 1 homozygote.

Submission:

Labcorp Genetics (formerly Invitae), Labcorp
Classification: Uncertain significance. Last evaluated: 2022-05-31. Review status: criteria provided, single submitter. Criteria: Invitae Variant Classification Sherloc (09022015). Collection method: clinical testing. Allele origin: germline.
Comment: This sequence change replaces leucine, which is neutral and non-polar, with proline, which is neutral and non-polar, at codon 1482 of the NIN protein (p.Leu1482Pro). This variant is present in population databases (rs112895956, gnomAD 0.009%). This variant has not been reported in the literature in individuals affected with NIN-related conditions. Algorithms developed to predict the effect of missense changes on protein structure and function output the following: SIFT: "Tolerated"; PolyPhen-2: "Benign"; Align-GVGD: "Class C0". The proline amino acid residue is found in multiple mammalian species, which suggests that this missense change does not adversely affect protein function. In summary, the available evidence is currently insufficient to determine the role of this variant in disease. Therefore, it has been classified as a Variant of Uncertain Significance.

NM_020921.4(NIN):c.4445T>C (p.Leu1482Pro)

Gene: NIN (ninein; minus strand). Cytogenetic location: 14q22.1.
Variant type: single nucleotide variant.
Coding change: c.4445T>C on transcript NM_020921.4 (MANE Select); coding-DNA position 4445, T replaced by C.
Protein change: p.Leu1482Pro; replaces leucine 1482 with proline.
Molecular consequence: missense variant. On other transcripts: intron variant (1).
Genome position (GRCh38, 1-based): chr14:50,756,585, A>G on the plus strand (T>C on the coding strand, the complement: NIN is on the minus strand). VCF-style: chr14-50756585-A-G. GRCh37 (hg19) VCF-style: chr14-51223303-A-G.
Other names: c.4445T>C, p.Leu1482Pro (NM_182944.3, NM_182946.2); c.2400-1718T>C (NM_016350.5); short protein forms L1482P.
Identifiers: ClinVar variation 1922651 (VCV001922651.5), dbSNP rs112895956, ClinGen allele CA7181602.